The following is an entry in ClinVar:

ClinVar aggregate classification (germline): Benign/Likely benign. Review status: criteria provided, multiple submitters, no conflicts (2 of 4 stars). 10 submissions from 10 submitters: Benign (5); Likely benign (2). 3 of the submissions do not count toward it. Last evaluated 2026-02-04.

Conditions:
Cerebroretinal microangiopathy with calcifications and cysts 1 (CRMCC1). Identifiers: Orphanet 313838, MedGen C4552029, MONDO:0024564, OMIM 612199.
Dyskeratosis congenita. Identifiers: Orphanet 1775, MedGen C0265965, MONDO:0015780.

Allele frequency attached by ClinVar (database versions not stated): 1000 Genomes Project 0.00300; 1000 Genomes Project 30x 0.00328; TOPMed 0.00979; gnomAD 0.01107 and 0.01148; ESP Exome Variant Server 0.01180.
gnomAD v4.1: 25,113 of 1,614,190 alleles (1.6%); highest among the groups gnomAD compares: Non-Finnish European, 1.9%; 239 homozygotes.

Submissions (10):

Labcorp Genetics (formerly Invitae), Labcorp
Classification: Benign for Dyskeratosis congenita. Last evaluated: 2026-02-04. Review status: criteria provided, single submitter. Criteria: Invitae Variant Classification Sherloc (09022015). Collection method: clinical testing. Allele origin: germline.

ARUP Laboratories, Molecular Genetics and Genomics, ARUP Laboratories
Classification: Benign for Cerebroretinal microangiopathy with calcifications and cysts 1. Last evaluated: 2025-07-14. Review status: criteria provided, single submitter. Criteria: ARUP Molecular Germline Variant Investigation Process 2024. Collection method: clinical testing. Allele origin: germline.

Blueprint Genetics
Classification: Likely benign. Last evaluated: 2024-11-27. Review status: criteria provided, single submitter. Criteria: ACMG Guidelines, 2015. Collection method: clinical testing. Allele origin: germline.

Mayo Clinic Laboratories, Mayo Clinic
Classification: Benign. Last evaluated: 2023-07-27. Review status: criteria provided, single submitter. Criteria: ACMG Guidelines, 2015. Collection method: clinical testing. Allele origin: germline. Observed: 32 variant alleles.
Comment: BS1, BS2, BP4, BP7

Genome-Nilou Lab
Classification: Benign for Cerebroretinal microangiopathy with calcifications and cysts 1. Last evaluated: 2021-07-15. Review status: criteria provided, single submitter. Criteria: ACMG Guidelines, 2015. Collection method: clinical testing. Allele origin: germline. Affected: no.

GeneDx
Classification: Likely benign. Last evaluated: 2020-09-23. Review status: criteria provided, single submitter. Criteria: GeneDx Variant Classification Process June 2021. Collection method: clinical testing. Allele origin: germline. Affected: yes.

Illumina Laboratory Services, Illumina
Classification: Benign for Dyskeratosis congenita. Last evaluated: 2018-01-12. Review status: criteria provided, single submitter. Criteria: ICSL Variant Classification Criteria 13 December 2019. Collection method: clinical testing. Allele origin: germline.
Comment: This variant was observed in the ICSL laboratory as part of a predisposition screen in an ostensibly healthy population. It had not been previously curated by ICSL or reported in the Human Gene Mutation Database (HGMD: prior to June 1st, 2018), and was therefore a candidate for classification through an automated scoring system. Utilizing variant allele frequency, disease prevalence and penetrance estimates, and inheritance mode, an automated score was calculated to assess if this variant is too frequent to cause the disease. Based on the score and internal cut-off values, a variant classified as benign is not then subjected to further curation. The score for this variant resulted in a classification of benign for this disease.

Genetic Services Laboratory, University of Chicago
Classification: Likely benign for AllHighlyPenetrant. Review status: no assertion criteria provided. Collection method: clinical testing. Allele origin: germline. Inheritance: Autosomal recessive inheritance. Not counted in ClinVar's aggregate classification.
Comment: Likely benign based on allele frequency in 1000 Genomes Project or ESP global frequency and its presence in a patient with a rare or unrelated disease phenotype. NOT Sanger confirmed.

Genome Diagnostics Laboratory, Amsterdam University Medical Center
Classification: Likely benign. Review status: no assertion criteria provided. Collection method: clinical testing. Allele origin: germline. Affected: yes. Study: VKGL Data-share Consensus. Not counted in ClinVar's aggregate classification.

Laboratory of Diagnostic Genome Analysis, Leiden University Medical Center (LUMC)
Classification: Benign. Review status: no assertion criteria provided. Collection method: clinical testing. Allele origin: germline. Affected: yes. Study: VKGL Data-share Consensus. Not counted in ClinVar's aggregate classification.

NM_025099.6(CTC1):c.1383G>A (p.Gln461=)

Gene: CTC1 (CST telomere replication complex component 1; minus strand). Cytogenetic location: 17p13.1.
Variant type: single nucleotide variant.
Coding change: c.1383G>A on transcript NM_025099.6 (MANE Select); coding-DNA position 1383, G replaced by A.
Protein change: p.Gln461=; no amino-acid change (glutamine 461 retained).
Molecular consequence: synonymous variant. On other transcripts: non-coding transcript variant (1).
Genome position (GRCh38, 1-based): chr17:8,235,109, C>T on the plus strand (G>A on the coding strand, the complement: CTC1 is on the minus strand). VCF-style: chr17-8235109-C-T. GRCh37 (hg19) VCF-style: chr17-8138427-C-T.
Other names: p.Gln461=.
Identifiers: ClinVar variation 128859 (VCV000128859.27), dbSNP rs145192682, ClinGen allele CA152511.